The following is an entry in ClinVar:

ClinVar aggregate classification (germline): Benign. Review status: criteria provided, multiple submitters, no conflicts (2 of 4 stars). 3 submissions from 3 submitters: Benign (3). Last evaluated 2021-06-19.

Conditions:
Autosomal recessive osteopetrosis 2. Also called: OSTEOPETROSIS, MILD AUTOSOMAL RECESSIVE FORM. Identifiers: Orphanet 667, MedGen C1850126, MONDO:0009816, OMIM 259710.

Allele frequency attached by ClinVar (database versions not stated): TOPMed 0.99404; 1000 Genomes Project 30x 0.99422; gnomAD 0.99437 and 0.99477; 1000 Genomes Project 0.99461; gnomAD exomes 0.99930.
gnomAD v4.1: 428,650 of 429,638 alleles (100%); highest among the groups gnomAD compares: East Asian, 100%; 213,843 homozygotes.

Submissions (3):

GeneDx
Classification: Benign. Last evaluated: 2021-06-19. Review status: criteria provided, single submitter. Criteria: GeneDx Variant Classification Process June 2021. Collection method: clinical testing. Allele origin: germline. Affected: yes.

Illumina Laboratory Services, Illumina
Classification: Benign for Autosomal recessive osteopetrosis 2. Last evaluated: 2018-01-13. Review status: criteria provided, single submitter. Criteria: ICSL Variant Classification Criteria 13 December 2019. Collection method: clinical testing. Allele origin: germline.
Comment: This variant was observed in the ICSL laboratory as part of a predisposition screen in an ostensibly healthy population. It had not been previously curated by ICSL or reported in the Human Gene Mutation Database (HGMD: prior to June 1st, 2018), and was therefore a candidate for classification through an automated scoring system. Utilizing variant allele frequency, disease prevalence and penetrance estimates, and inheritance mode, an automated score was calculated to assess if this variant is too frequent to cause the disease. Based on the score and internal cut-off values, a variant classified as benign is not then subjected to further curation. The score for this variant resulted in a classification of benign for this disease.

Breakthrough Genomics
Classification: Benign. Review status: criteria provided, single submitter. Criteria: ACMG Guidelines, 2015. Collection method: not provided. Allele origin: germline. Inheritance: Autosomal recessive inheritance. Affected: yes.

NM_003701.4(TNFSF11):c.*264G>T

Gene: TNFSF11 (TNF superfamily member 11; plus strand). Cytogenetic location: 13q14.11.
Variant type: single nucleotide variant.
Coding change: c.*264G>T on transcript NM_003701.4 (MANE Select); 264 bases downstream of the stop codon, G replaced by T.
Molecular consequence: 3 prime UTR variant.
Genome position (GRCh38, 1-based): chr13:42,607,182, G>T. VCF-style: chr13-42607182-G-T. GRCh37 (hg19) VCF-style: chr13-43181318-G-T.
Other names: c.*264G>T (NM_033012.4).
Identifiers: ClinVar variation 312243 (VCV000312243.8), dbSNP rs346575, ClinGen allele CA10634422.